The following is an entry in ClinVar:

ClinVar aggregate classification (germline): Pathogenic (1 of 4 stars; one submission).

Conditions:
Donnai-Barrow syndrome. Also called: DBS/FOAR SYNDROME; FACIOOCULOACOUSTICORENAL SYNDROME. Identifiers: Orphanet 2143, MedGen C1857277, MONDO:0009104, OMIM 222448.

Submission:

Myriad Genetics, Inc.
Classification: Pathogenic for Donnai-Barrow syndrome. Last evaluated: 2024-11-13. Review status: criteria provided, single submitter. Criteria: Myriad Autosomal Dominant, Autosomal Recessive and X-Linked Classification Criteria (2023). Collection method: clinical testing. Allele origin: unknown.
Comment: NM_004525.2(LRP2):c.11925C>A(C3975*) is expected to be pathogenic in the context of Donnai-Barrow syndrome. This variant is predicted to lead to an abnormal or absent protein product due to the creation of a premature termination codon in LRP2, a gene where loss-of-function variants are known to be pathogenic. Please note: this variant was assessed in the context of healthy population screening.

NM_004525.3(LRP2):c.11925C>A (p.Cys3975Ter)

Gene: LRP2 (LDL receptor related protein 2; minus strand). Cytogenetic location: 2q31.1.
Variant type: single nucleotide variant.
Coding change: c.11925C>A on transcript NM_004525.3 (MANE Select); coding-DNA position 11925, C replaced by A.
Protein change: p.Cys3975Ter; replaces cysteine 3975 with a stop codon.
Molecular consequence: nonsense.
Genome position (GRCh38, 1-based): chr2:169,157,465, G>T on the plus strand (C>A on the coding strand, the complement: LRP2 is on the minus strand). VCF-style: chr2-169157465-G-T. GRCh37 (hg19) VCF-style: chr2-170013975-G-T.
Other names: short protein forms C3975*.
Identifiers: ClinVar variation 5013748 (VCV005013748.1).